The following is an entry in ClinVar:

ClinVar aggregate classification (germline): Uncertain significance. Review status: criteria provided, single submitter (1 of 4 stars). 2 submissions from 2 submitters: Uncertain significance (1). 1 of the submissions does not count toward it. Last evaluated 2024-06-28.

Conditions:
PHIP-related disorder. Also called: PHIP-related condition; PHIP-related disorders.
Inborn genetic diseases. Identifiers: MedGen C0950123, MeSH D030342.

gnomAD v4.1: 19 of 1,599,418 alleles (0.0012%); highest among the groups gnomAD compares: Non-Finnish European, 0.0015%; no homozygotes.

Submissions (2):

Ambry Genetics
Classification: Uncertain significance for Inborn genetic diseases. Last evaluated: 2024-06-28. Review status: criteria provided, single submitter. Criteria: Ambry Variant Classification Scheme 2023. Collection method: clinical testing. Allele origin: germline.

PreventionGenetics, part of Exact Sciences
Classification: Uncertain significance for PHIP-related condition. Last evaluated: 2024-05-19. Review status: no assertion criteria provided. Collection method: clinical testing. Allele origin: germline. Not counted in ClinVar's aggregate classification.
Comment: The PHIP c.2715A>T variant is predicted to result in the amino acid substitution p.Glu905Asp. To our knowledge, this variant has not been reported in the literature. This variant is reported in 0.00095% of alleles in individuals of European (Non-Finnish) descent in gnomAD. At this time, the clinical significance of this variant is uncertain due to the absence of conclusive functional and genetic evidence.

NM_017934.7(PHIP):c.2715A>T (p.Glu905Asp)

Gene: PHIP (PHIP subunit of CUL4-Ring ligase complex; minus strand). Cytogenetic location: 6q14.1.
Variant type: single nucleotide variant.
Coding change: c.2715A>T on transcript NM_017934.7 (MANE Select); coding-DNA position 2715, A replaced by T.
Protein change: p.Glu905Asp; replaces glutamic acid 905 with aspartic acid.
Molecular consequence: missense variant.
Genome position (GRCh38, 1-based): chr6:78,982,940, T>A on the plus strand (A>T on the coding strand, the complement: PHIP is on the minus strand). VCF-style: chr6-78982940-T-A. GRCh37 (hg19) VCF-style: chr6-79692657-T-A.
Other names: c.2715A>T (NM_017934.5); short protein forms E905D.
Identifiers: ClinVar variation 3351058 (VCV003351058.2).